The following is an entry in ClinVar:

ClinVar aggregate classification (germline): Uncertain significance (1 of 4 stars; one submission).

Conditions:
Pityriasis rubra pilaris (PRP). Also called: Pityriasis rubra pilaris--familial type. Identifiers: Orphanet 2897, MedGen C0032027, MONDO:0100017, OMIM 173200, MONDO:0008251.
Psoriasis 2. Identifiers: MedGen C1864497, MONDO:0011269, OMIM 602723.

Allele frequency attached by ClinVar (database versions not stated): TOPMed below 0.00001; gnomAD exomes 0.00001; gnomAD 0.00002.

Submission:

Labcorp Genetics (formerly Invitae), Labcorp
Classification: Uncertain significance for Pityriasis rubra pilaris; Psoriasis 2. Last evaluated: 2022-06-09. Review status: criteria provided, single submitter. Criteria: Invitae Variant Classification Sherloc (09022015). Collection method: clinical testing. Allele origin: germline.
Comment: In summary, the available evidence is currently insufficient to determine the role of this variant in disease. Therefore, it has been classified as a Variant of Uncertain Significance. Algorithms developed to predict the effect of missense changes on protein structure and function are either unavailable or do not agree on the potential impact of this missense change (SIFT: "Deleterious"; PolyPhen-2: "Probably Damaging"; Align-GVGD: "Class C0"). This variant has not been reported in the literature in individuals affected with CARD14-related conditions. This variant is present in population databases (rs753619227, gnomAD 0.005%). This sequence change replaces arginine, which is basic and polar, with tryptophan, which is neutral and slightly polar, at codon 433 of the CARD14 protein (p.Arg433Trp).

NM_001366385.1(CARD14):c.1297C>T (p.Arg433Trp)

Gene: CARD14 (caspase recruitment domain family member 14; plus strand). Cytogenetic location: 17q25.3.
Variant type: single nucleotide variant.
Coding change: c.1297C>T on transcript NM_001366385.1 (MANE Select); coding-DNA position 1297, C replaced by T.
Protein change: p.Arg433Trp; replaces arginine 433 with tryptophan.
Molecular consequence: missense variant. On other transcripts: non-coding transcript variant (1).
Genome position (GRCh38, 1-based): chr17:80,192,560, C>T. VCF-style: chr17-80192560-C-T. GRCh37 (hg19) VCF-style: chr17-78166359-C-T.
Other names: c.1297C>T, p.Arg433Trp (NM_001257970.1, NM_024110.4); c.586C>T, p.Arg196Trp (NM_052819.3); short protein forms R196W, R433W.
Identifiers: ClinVar variation 1918045 (VCV001918045.5), dbSNP rs753619227, ClinGen allele CA8816749.